The following is an entry in ClinVar:

NM_003126.4(SPTA1):c.1981C>G (p.Arg661Gly)

Gene: SPTA1 (spectrin alpha, erythrocytic 1; minus strand). Cytogenetic location: 1q23.1.
Variant type: single nucleotide variant.
Coding change: c.1981C>G on transcript NM_003126.4 (MANE Select); coding-DNA position 1981, C replaced by G.
Protein change: p.Arg661Gly; replaces arginine 661 with glycine.
Molecular consequence: missense variant.
Genome position (GRCh38, 1-based): chr1:158,667,915, G>C on the plus strand (C>G on the coding strand, the complement: SPTA1 is on the minus strand). VCF-style: chr1-158667915-G-C. GRCh37 (hg19) VCF-style: chr1-158637705-G-C.
Other names: short protein forms R661G.
Identifiers: ClinVar variation 4822998 (VCV004822998.4).

ClinVar aggregate classification (germline): Uncertain significance (1 of 4 stars; one submission).

Submission:

CeGaT Center for Human Genetics Tuebingen
Classification: Uncertain significance. Last evaluated: 2026-01-01. Review status: criteria provided, single submitter. Criteria: CeGaT Center For Human Genetics Tuebingen Variant Classification Criteria Version 2. Collection method: clinical testing. Allele origin: germline. Affected: yes. Observed: 1 variant allele.
Comment: SPTA1: PM2, BP4